The following is an entry in ClinVar:

ClinVar aggregate classification (germline): Benign. Review status: criteria provided, multiple submitters, no conflicts (2 of 4 stars). 3 submissions from 3 submitters: Benign (3). Last evaluated 2025-09-15.

Conditions:
Familial acute necrotizing encephalopathy (IIAE3). Also called: ENCEPHALOPATHY, ACUTE, INFECTION-INDUCED, SUSCEPTIBILITY TO, 3; Susceptibility to Acute Necrotizing Encephalopathy 1. Identifiers: Orphanet 88619, MedGen C2675556, MONDO:0011953, OMIM 608033.

Allele frequency attached by ClinVar (database versions not stated): ESP Exome Variant Server 0.00791; TOPMed 0.00913; gnomAD 0.01093 and 0.01384; gnomAD exomes 0.01595 and 0.02074; ExAC 0.02201; 1000 Genomes Project 30x 0.02983; 1000 Genomes Project 0.03195.
gnomAD v4.1: 25,420 of 1,597,456 alleles (1.6%); highest among the groups gnomAD compares: South Asian, 7.7%; 594 homozygotes.

Submissions (3):

Labcorp Genetics (formerly Invitae), Labcorp
Classification: Benign for Familial acute necrotizing encephalopathy. Last evaluated: 2025-09-15. Review status: criteria provided, single submitter. Criteria: Invitae Variant Classification Sherloc (09022015). Collection method: clinical testing. Allele origin: germline.

GeneDx
Classification: Benign. Last evaluated: 2016-03-14. Review status: criteria provided, single submitter. Criteria: GeneDx Variant Classification (06012015). Collection method: clinical testing. Allele origin: germline. Affected: yes.
Comment: This variant is considered likely benign or benign based on one or more of the following criteria: it is a conservative change, it occurs at a poorly conserved position in the protein, it is predicted to be benign by multiple in silico algorithms, and/or has population frequency not consistent with disease.

Breakthrough Genomics
Classification: Benign. Review status: criteria provided, single submitter. Criteria: ACMG Guidelines, 2015. Collection method: not provided. Allele origin: germline. Inheritance: Autosomal dominant inheritance. Affected: yes.

NM_006267.5(RANBP2):c.816G>C (p.Leu272Phe)

Gene: RANBP2 (RAN binding protein 2; plus strand). Cytogenetic location: 2q13.
Variant type: single nucleotide variant.
Coding change: c.816G>C on transcript NM_006267.5 (MANE Select); coding-DNA position 816, G replaced by C.
Protein change: p.Leu272Phe; replaces leucine 272 with phenylalanine.
Molecular consequence: missense variant.
Genome position (GRCh38, 1-based): chr2:108,740,522, G>C. VCF-style: chr2-108740522-G-C. GRCh37 (hg19) VCF-style: chr2-109356978-G-C.
Other names: short protein forms L272F.
Identifiers: ClinVar variation 381173 (VCV000381173.12), dbSNP rs76352345, ClinGen allele CA1822144.
Genomic context (GRCh38, chr2:108,740,522, plus strand): 5'-TATCTGTTTGATATTTTCATATTACAGTTTTGATAGTGCTCTTCAGTCTGTGAAATCTTT[G>C]GGTGGAAATGATGAACTGTCAGCTACTTTCTTAGAAATGAAAGGACATTTCTACATGCAT-3'
Protein context (NP_006258.3, residues 262-282): FDSALQSVKS[Leu272Phe]GGNDELSATF